The following is an entry in ClinVar:

ClinVar aggregate classification (germline): Benign/Likely benign. Review status: criteria provided, multiple submitters, no conflicts (2 of 4 stars). 5 submissions from 5 submitters: Benign (3); Likely benign (2). Last evaluated 2025-12-31.

Conditions:
Holoprosencephaly 11 (HPE11). Identifiers: Orphanet 2162, MedGen C3280215, MONDO:0013642, OMIM 614226.

Allele frequency attached by ClinVar (database versions not stated): gnomAD exomes 0.00152; ExAC 0.00181; gnomAD 0.00604 and 0.00647; ESP Exome Variant Server 0.00677; 1000 Genomes Project 0.00719; 1000 Genomes Project 30x 0.00734; TOPMed 0.00745.
gnomAD v4.1: 1,913 of 1,614,104 alleles (0.12%); highest among the groups gnomAD compares: African/African-American, 2.2%; 18 homozygotes.

Submissions (5):

Labcorp Genetics (formerly Invitae), Labcorp
Classification: Benign for Holoprosencephaly 11. Last evaluated: 2025-12-31. Review status: criteria provided, single submitter. Criteria: Invitae Variant Classification Sherloc (09022015). Collection method: clinical testing. Allele origin: germline.

ARUP Laboratories, Molecular Genetics and Genomics, ARUP Laboratories
Classification: Benign for Holoprosencephaly 11. Last evaluated: 2023-11-29. Review status: criteria provided, single submitter. Criteria: ARUP Molecular Germline Variant Investigation Process 2024. Collection method: clinical testing. Allele origin: germline.

Illumina Laboratory Services, Illumina
Classification: Benign for Holoprosencephaly 11. Last evaluated: 2018-01-13. Review status: criteria provided, single submitter. Criteria: ICSL Variant Classification Criteria 13 December 2019. Collection method: clinical testing. Allele origin: germline.
Comment: This variant was observed in the ICSL laboratory as part of a predisposition screen in an ostensibly healthy population. It had not been previously curated by ICSL or reported in the Human Gene Mutation Database (HGMD: prior to June 1st, 2018), and was therefore a candidate for classification through an automated scoring system. Utilizing variant allele frequency, disease prevalence and penetrance estimates, and inheritance mode, an automated score was calculated to assess if this variant is too frequent to cause the disease. Based on the score and internal cut-off values, a variant classified as benign is not then subjected to further curation. The score for this variant resulted in a classification of benign for this disease.

Breakthrough Genomics
Classification: Likely benign. Review status: criteria provided, single submitter. Criteria: ACMG Guidelines, 2015. Collection method: not provided. Allele origin: germline. Inheritance: Autosomal dominant inheritance. Affected: yes.

PreventionGenetics, part of Exact Sciences
Classification: Likely benign. Review status: criteria provided, single submitter. Criteria: ACMG Guidelines, 2015. Collection method: clinical testing. Allele origin: germline.

NM_001378964.1(CDON):c.3559C>T (p.Arg1187Cys)

Gene: CDON (cell adhesion associated, oncogene regulated; minus strand). Cytogenetic location: 11q24.2.
Variant type: single nucleotide variant.
Coding change: c.3559C>T on transcript NM_001378964.1 (MANE Select); coding-DNA position 3559, C replaced by T.
Protein change: p.Arg1187Cys; replaces arginine 1187 with cysteine.
Molecular consequence: missense variant.
Genome position (GRCh38, 1-based): chr11:125,961,796, G>A on the plus strand (C>T on the coding strand, the complement: CDON is on the minus strand). VCF-style: chr11-125961796-G-A. GRCh37 (hg19) VCF-style: chr11-125831691-G-A.
Other names: c.3559C>T, p.Arg1187Cys (NM_001243597.3, NM_016952.6); short protein forms R1187C.
Identifiers: ClinVar variation 260798 (VCV000260798.24), dbSNP rs150174788, ClinGen allele CA6351378.
Genomic context (GRCh38, chr11:125,961,796, plus strand): 5'-CTGCTGGATCTTCTGAGCCATCAGAGCTGACGTCATTTACAATGTCCTGACAGCAGGTAC[G>A]CTGAGTAGGGACTGGTTCCACATTGTCCTTGACGCTCTCCTCCGGCAACTGGCCACAATC-3'
Protein context (NP_001365893.1, residues 1177-1197): KDNVEPVPTQ[Arg1187Cys]TCCQDIVNDV